The following is an entry in ClinVar:

ClinVar aggregate classification (germline): Likely pathogenic (1 of 4 stars; one submission).

gnomAD v4.1: 1 of 1,610,458 alleles (0.000062%); highest among the groups gnomAD compares: Non-Finnish European, 0.000085%; no homozygotes.

Submission:

Labcorp Genetics (formerly Invitae), Labcorp
Classification: Likely pathogenic. Last evaluated: 2023-10-11. Review status: criteria provided, single submitter. Criteria: Invitae Variant Classification Sherloc (09022015). Collection method: clinical testing. Allele origin: germline.
Comment: This sequence change affects a donor splice site in intron 85 of the ADGRV1 gene. It is expected to disrupt RNA splicing. Variants that disrupt the donor or acceptor splice site typically lead to a loss of protein function (PMID: 16199547), and loss-of-function variants in ADGRV1 are known to be pathogenic (PMID: 19357117, 22135276, 22147658, 26226137, 30718709, 31047384, 32467589). This variant is not present in population databases (gnomAD no frequency). This variant has not been reported in the literature in individuals affected with ADGRV1-related conditions. ClinVar contains an entry for this variant (Variation ID: 1066257). Algorithms developed to predict the effect of sequence changes on RNA splicing suggest that this variant may disrupt the consensus splice site. In summary, the currently available evidence indicates that the variant is pathogenic, but additional data are needed to prove that conclusively. Therefore, this variant has been classified as Likely Pathogenic.

Literature cited by the submitters: PubMed 16199547; PubMed 19357117; PubMed 22135276; PubMed 22147658; PubMed 26226137; PubMed 30718709; PubMed 31047384; PubMed 32467589.

NM_032119.4(ADGRV1):c.18152+1G>A

Gene: ADGRV1 (adhesion G protein-coupled receptor V1; plus strand). Cytogenetic location: 5q14.3.
Variant type: single nucleotide variant.
Coding change: c.18152+1G>A on transcript NM_032119.4 (MANE Select); the canonical splice donor site of the intron after coding-DNA position 18152, G replaced by A.
Molecular consequence: splice donor variant.
Genome position (GRCh38, 1-based): chr5:90,985,523, G>A. VCF-style: chr5-90985523-G-A. GRCh37 (hg19) VCF-style: chr5-90281340-G-A.
Identifiers: ClinVar variation 1066257 (VCV001066257.7), dbSNP rs2151049870, ClinGen allele CA360429416.